The following is an entry in ClinVar:

ClinVar aggregate classification (germline): Conflicting classifications of pathogenicity. Review status: criteria provided, conflicting classifications (1 of 4 stars). 4 submissions from 4 submitters: Likely pathogenic (1); Uncertain significance (2). 1 of the submissions does not count toward it. Last evaluated 2024-03-23.

Conditions:
X-linked mixed hearing loss with perilymphatic gusher. Also called: Deafness, X-linked 2; NANCE DEAFNESS; Gusher syndrome; PERILYMPHATIC GUSHER-DEAFNESS SYNDROME; SENSORINEURAL DEAFNESS, PROFOUND, WITH OR WITHOUT A CONDUCTIVE COMPONENT, ASSOCIATED WITH A UNIQUE DEVELOPMENTAL ABNORMALITY OF THE EAR. Identifiers: Orphanet 383, MedGen C1844678, MONDO:0010576, OMIM 304400.

Submissions (4):

GeneDx
Classification: Uncertain significance. Last evaluated: 2024-03-23. Review status: criteria provided, single submitter. Criteria: GeneDx Variant Classification Process June 2021. Collection method: clinical testing. Allele origin: germline. Affected: yes.
Comment: Not observed at significant frequency in large population cohorts (gnomAD); In silico analysis supports that this missense variant has a deleterious effect on protein structure/function; This variant is associated with the following publications: (PMID: 32747562)

Victorian Clinical Genetics Services, Murdoch Childrens Research Institute
Classification: Likely pathogenic for X-linked mixed hearing loss with perilymphatic gusher. Last evaluated: 2022-02-02. Review status: criteria provided, single submitter. Criteria: ACMG Guidelines, 2015. Collection method: clinical testing. Allele origin: germline. Inheritance: X-linked recessive inheritance. Affected: yes.
Comment: Based on the classification scheme VCGS_Germline_v1.3.4, this variant is classified as Likely Pathogenic. Following criteria are met: 0102 - Loss of function is a known mechanism of disease in this gene and is associated with X-linked deafness 2 (MIM#304400). (I) 0109 - This gene is associated with X-linked recessive disease. (I) 0200 - Variant is predicted to result in a missense amino acid change from arginine to leucine. (I) 0253 - This variant is hemizygous. (I) 0301 - Variant is absent from gnomAD (v2 and v3). (SP) 0501 - Missense variant consistently predicted to be damaging by multiple in silico tools and highly conserved with a major amino acid change. (SP) 0602 - Variant is located in a hotspot region or cluster of pathogenic variants at a DNA binding site in the homeobox domain (DECIPHER, NCBI). (SP) 0704 - Another missense variant comparable to the one identified in this case has limited previous evidence for pathogenicity. An alternative change to glutamine at the same residue has previously been reported in at least one individual with deafness (LOVD, PMID: 19930154). (SP) 0809 - Previous evidence of pathogenicity for this variant is inconclusive. The variant has previously been classified as a VUS in ClinVar, however supporting evidence was not provided. It has also been reported as pathogenic in at least two unrelated individuals with X-linked deafness, by a research laboratory and in a recent preprint journal article (ClinVar, Chen, Y. et al. (2021)). (I) 0906 - Segregation evidence for this variant is inconclusive. The variant has previously been reported to segregate in two brothers with X-linked deafness, however the data has not yet been peer-reviewed (Chen, Y. et al. (2021)). (I) 1007 - No published functional evidence has been identified for this variant. (I) 1102 - Strong phenotype match for this individual. (I) Legend: (SP) - Supporting pathogenic, (I) - Information, (SB) - Supporting benign

Eurofins Ntd Llc (ga)
Classification: Uncertain significance. Last evaluated: 2016-10-12. Review status: criteria provided, single submitter. Criteria: EGL Classification Definitions 2015. Collection method: clinical testing. Allele origin: germline. Observed: 1 variant allele, 1 hemizygote.

Hereditary Research Laboratory, Bethlehem University
Classification: Pathogenic for X-linked mixed hearing loss with perilymphatic gusher. Last evaluated: 2016-06-04. Review status: no assertion criteria provided. Collection method: research. Allele origin: germline. Affected: yes. Not counted in ClinVar's aggregate classification.
Comment: Severe to Profound

Literature cited by the submitters: PubMed 19930154 (cited by Victorian Clinical Genetics Services, Murdoch Childrens Research Institute).

NM_000307.5(POU3F4):c.845G>T (p.Arg282Leu)

Gene: POU3F4 (POU class 3 homeobox 4; plus strand). Cytogenetic location: Xq21.1.
Variant type: single nucleotide variant.
Coding change: c.845G>T on transcript NM_000307.5 (MANE Select); coding-DNA position 845, G replaced by T.
Protein change: p.Arg282Leu; replaces arginine 282 with leucine.
Molecular consequence: missense variant.
Genome position (GRCh38, 1-based): chrX:83,509,169, G>T. VCF-style: chrX-83509169-G-T. GRCh37 (hg19) VCF-style: chrX-82764177-G-T.
Other names: short protein forms R282L.
Identifiers: ClinVar variation 402272 (VCV000402272.7), dbSNP rs1060499806, ClinGen allele CA16609586.